The following is an entry in ClinVar:

NM_001142966.3(GREB1L):c.2746T>G (p.Ser916Ala)

Gene: GREB1L (GREB1 like retinoic acid receptor coactivator; plus strand). Cytogenetic location: 18q11.1.
Variant type: single nucleotide variant.
Coding change: c.2746T>G on transcript NM_001142966.3 (MANE Select); coding-DNA position 2746, T replaced by G.
Protein change: p.Ser916Ala; replaces serine 916 with alanine.
Molecular consequence: missense variant.
Genome position (GRCh38, 1-based): chr18:21,490,067, T>G. VCF-style: chr18-21490067-T-G. GRCh37 (hg19) VCF-style: chr18-19070028-T-G.
Other names: c.2875T>G, p.Ser959Ala (NM_001410867.1); c.2419T>G, p.Ser807Ala (NM_001410868.1); short protein forms S916A, S807A, S959A.
Identifiers: ClinVar variation 2958817 (VCV002958817.3), dbSNP rs550087671, ClinGen allele CA8906525.
Genomic context (GRCh38, chr18:21,490,067, plus strand): 5'-TGAAGGTACCCCAGGCTGCACAGCATGGTCGTCCGCTGCTATCTTCTCATCCAGCAGTAC[T>G]CTGAGGCCCTGATGGCTCTCACCACCATGGCGTCACTCCGCGACCACAGCACACCAGAAA-3'
Protein context (NP_001136438.1, residues 906-926): VRCYLLIQQY[Ser916Ala]EALMALTTMA

ClinVar aggregate classification (germline): Uncertain significance (1 of 4 stars; one submission).

Allele frequency attached by ClinVar (database versions not stated): gnomAD exomes below 0.00001; gnomAD 0.00001; TOPMed 0.00002; ExAC 0.00005; 1000 Genomes Project 0.00020; 1000 Genomes Project 30x 0.00031.
gnomAD v4.1: 5 of 1,551,954 alleles (0.00032%); highest among the groups gnomAD compares: African/African-American, 0.0055%; no homozygotes.

Submission:

Labcorp Genetics (formerly Invitae), Labcorp
Classification: Uncertain significance. Last evaluated: 2023-11-07. Review status: criteria provided, single submitter. Criteria: Invitae Variant Classification Sherloc (09022015). Collection method: clinical testing. Allele origin: germline.
Comment: This sequence change replaces serine, which is neutral and polar, with alanine, which is neutral and non-polar, at codon 916 of the GREB1L protein (p.Ser916Ala). This variant is present in population databases (rs550087671, gnomAD 0.03%). This variant has not been reported in the literature in individuals affected with GREB1L-related conditions. Algorithms developed to predict the effect of missense changes on protein structure and function output the following: SIFT: "Not Available"; PolyPhen-2: "Benign"; Align-GVGD: "Not Available". The alanine amino acid residue is found in multiple mammalian species, which suggests that this missense change does not adversely affect protein function. In summary, the available evidence is currently insufficient to determine the role of this variant in disease. Therefore, it has been classified as a Variant of Uncertain Significance.